The following is an entry in ClinVar:

ClinVar aggregate classification (germline): Uncertain significance (1 of 4 stars; one submission).

Conditions:
Primary dilated cardiomyopathy (DCM). Also called: Dilated Cardiomyopathy. Identifiers: Orphanet 217604, MedGen C0007193, MeSH D002311, MONDO:0005021, HP:0001644. Inheritance: Various modes of inheritance.

Allele frequency attached by ClinVar (database versions not stated): gnomAD exomes 0.00001 and 0.00002; ExAC 0.00002; TOPMed 0.00002; gnomAD 0.00005 and 0.00006; ESP Exome Variant Server 0.00008.
gnomAD v4.1: 22 of 1,613,968 alleles (0.0014%); highest among the groups gnomAD compares: Non-Finnish European, 0.0018%; no homozygotes.

Submission:

Labcorp Genetics (formerly Invitae), Labcorp
Classification: Uncertain significance for Primary dilated cardiomyopathy. Last evaluated: 2026-01-20. Review status: criteria provided, single submitter. Criteria: Invitae Variant Classification Sherloc (09022015). Collection method: clinical testing. Allele origin: germline.
Comment: This sequence change replaces glutamic acid, which is acidic and polar, with glutamine, which is neutral and polar, at codon 144 of the NEBL protein (p.Glu144Gln). This variant is present in population databases (rs147430943, gnomAD 0.008%). This variant has not been reported in the literature in individuals affected with NEBL-related conditions. ClinVar contains an entry for this variant (Variation ID: 1057629). An algorithm developed to predict the effect of missense changes on protein structure and function (PolyPhen-2) suggests that this variant is likely to be disruptive. In summary, the available evidence is currently insufficient to determine the role of this variant in disease. Therefore, it has been classified as a Variant of Uncertain Significance.

NM_006393.3(NEBL):c.430G>C (p.Glu144Gln)

Gene: NEBL (nebulette; minus strand). Cytogenetic location: 10p12.31.
Variant type: single nucleotide variant.
Coding change: c.430G>C on transcript NM_006393.3 (MANE Select); coding-DNA position 430, G replaced by C.
Protein change: p.Glu144Gln; replaces glutamic acid 144 with glutamine.
Molecular consequence: missense variant. On other transcripts: intron variant (9).
Genome position (GRCh38, 1-based): chr10:20,880,844, C>G on the plus strand (G>C on the coding strand, the complement: NEBL is on the minus strand). VCF-style: chr10-20880844-C-G. GRCh37 (hg19) VCF-style: chr10-21169773-C-G.
Other names: c.250-67904G>C (NM_001377326.1, NM_001377327.1, NM_001377328.1); c.358-67904G>C (NM_213569.2, NM_001173484.2, NM_001377322.1); c.301-67904G>C (NM_001377324.1); c.292-67904G>C (NM_001377325.1); c.310-67904G>C (NM_001377323.1); short protein forms E144Q.
Identifiers: ClinVar variation 1057629 (VCV001057629.5), dbSNP rs147430943, ClinGen allele CA5433253.